The following is an entry in ClinVar:

ClinVar aggregate classification (germline): Uncertain significance (1 of 4 stars; one submission).

Conditions:
Charcot-Marie-Tooth disease axonal type 2C (HMSN2C). Also called: Charcot-Marie-Tooth Disease Type 2, TRPV4-Related (CMT2C); CHARCOT-MARIE-TOOTH DISEASE, AXONAL, AUTOSOMAL DOMINANT, TYPE 2C; Charcot-Marie-Tooth Neuropathy Type 2C. Identifiers: Orphanet 99937, MedGen C1853710, MONDO:0011633, OMIM 606071.

Allele frequency attached by ClinVar (database versions not stated): gnomAD exomes 0.00001.
gnomAD v4.1: 11 of 1,613,882 alleles (0.00068%); highest among the groups gnomAD compares: Non-Finnish European, 0.00093%; no homozygotes.

Submission:

Labcorp Genetics (formerly Invitae), Labcorp
Classification: Uncertain significance for Charcot-Marie-Tooth disease axonal type 2C. Last evaluated: 2021-01-15. Review status: criteria provided, single submitter. Criteria: Invitae Variant Classification Sherloc (09022015). Collection method: clinical testing. Allele origin: germline.
Comment: This variant has not been reported in the literature in individuals with TRPV4-related conditions. This variant is not present in population databases (ExAC no frequency). This sequence change replaces proline with leucine at codon 772 of the TRPV4 protein (p.Pro772Leu). The proline residue is moderately conserved and there is a moderate physicochemical difference between proline and leucine. Advanced modeling of protein sequence and biophysical properties (such as structural, functional, and spatial information, amino acid conservation, physicochemical variation, residue mobility, and thermodynamic stability) performed at Invitae indicates that this missense variant is expected to disrupt TRPV4 protein function. In summary, the available evidence is currently insufficient to determine the role of this variant in disease. Therefore, it has been classified as a Variant of Uncertain Significance.

NM_021625.5(TRPV4):c.2315C>T (p.Pro772Leu)

Gene: TRPV4 (transient receptor potential cation channel subfamily V member 4; minus strand). Cytogenetic location: 12q24.11.
Variant type: single nucleotide variant.
Coding change: c.2315C>T on transcript NM_021625.5 (MANE Select); coding-DNA position 2315, C replaced by T.
Protein change: p.Pro772Leu; replaces proline 772 with leucine.
Molecular consequence: missense variant.
Genome position (GRCh38, 1-based): chr12:109,786,731, G>A on the plus strand (C>T on the coding strand, the complement: TRPV4 is on the minus strand). VCF-style: chr12-109786731-G-A. GRCh37 (hg19) VCF-style: chr12-110224536-G-A.
Other names: c.2135C>T, p.Pro712Leu (NM_147204.3); c.2174C>T, p.Pro725Leu (NM_001177428.2); c.2213C>T, p.Pro738Leu (NM_001177431.2); c.1994C>T, p.Pro665Leu (NM_001177433.2); short protein forms P665L, P738L, P772L, P712L, P725L.
Identifiers: ClinVar variation 1417026 (VCV001417026.8), dbSNP rs1889708727, ClinGen allele CA386649240.